The following is an entry in ClinVar:

NM_004360.5(CDH1):c.820G>A (p.Gly274Ser)

Gene: CDH1 (cadherin 1; plus strand). Cytogenetic location: 16q22.1.
Variant type: single nucleotide variant.
Coding change: c.820G>A on transcript NM_004360.5 (MANE Select); coding-DNA position 820, G replaced by A.
Protein change: p.Gly274Ser; replaces glycine 274 with serine.
Molecular consequence: missense variant. On other transcripts: 5 prime UTR variant (2).
Genome position (GRCh38, 1-based): chr16:68,810,329, G>A. VCF-style: chr16-68810329-G-A. GRCh37 (hg19) VCF-style: chr16-68844232-G-A.
Other names: NM_004360.5(CDH1):c.820G>A; p.Gly274Ser; c.820G>A, p.Gly274Ser (NM_001317184.2); c.-796G>A (NM_001317185.2); c.-1000G>A (NM_001317186.2); short protein forms G274S.
Identifiers: ClinVar variation 186326 (VCV000186326.33), dbSNP rs781513008, ClinGen allele CA194486.
Genomic context (GRCh38, chr16:68,810,329, plus strand): 5'-GATCAGAATGACAACAAGCCCGAATTCACCCAGGAGGTCTTTAAGGGGTCTGTCATGGAA[G>A]GTGCTCTTCCAGGTATATCCACTAATGAGAATCTGAATACTCAGAAAGACTCTTAGGTTC-3'
Protein context (NP_004351.1, residues 264-284): QEVFKGSVME[Gly274Ser]ALPGTSVMEV

ClinVar aggregate classification (germline): Benign. Review status: reviewed by expert panel (3 of 4 stars). 12 submissions from 12 submitters: Benign (1). 11 of the submissions do not count toward it. Last evaluated 2023-08-09.

Conditions:
CDH1-related diffuse gastric and lobular breast cancer syndrome. Also called: CDH1-related diffuse gastric and lobular breast cancer. Identifiers: MedGen CN311521, MONDO:0100488.
Ovarian cancer. Also called: OVARIAN CANCER, SOMATIC. Identifiers: Orphanet 213500, MedGen C1140680, MONDO:0008170, OMIM 167000.
Familial cancer of breast. Also called: Hereditary breast cancer; BREAST CANCER, FAMILIAL; hereditary breast carcinoma. Identifiers: Orphanet 227535, MedGen C0346153, MONDO:0016419, OMIM 114480. Disease mechanism: loss of function.
CDH1-related disorder. Also called: CDH1-related condition.
Hereditary cancer-predisposing syndrome. Also called: Neoplastic Syndromes, Hereditary; Tumor predisposition; Hereditary neoplastic syndrome; Hereditary Cancer Syndrome. Identifiers: Orphanet 140162, MedGen C0027672, MeSH D009386, MONDO:0015356.
Hereditary diffuse gastric adenocarcinoma (HDGC). Also called: DIFFUSE GASTRIC AND LOBULAR BREAST CANCER SYNDROME. Identifiers: Orphanet 26106, MedGen C1708349, MONDO:0007648, OMIM 137215.

Allele frequency attached by ClinVar (database versions not stated): gnomAD below 0.00001 and 0.00003; gnomAD exomes 0.00006 and 0.00009; ExAC 0.00012.
gnomAD v4.1: 85 of 1,613,982 alleles (0.0053%); highest among the groups gnomAD compares: South Asian, 0.092%; 1 homozygote.

Submissions (12):

Clingen Gastric Cancer Variant Curation Expert Panel
Classification: Benign for CDH1-related diffuse gastric and lobular breast cancer syndrome. Last evaluated: 2023-08-09. Review status: reviewed by expert panel. Criteria: ClinGen CDH1 ACMG Specifications V3.1. Collection method: curation. Allele origin: germline. Inheritance: Autosomal dominant inheritance.
Comment: The c.820G>A (p.Gly274Ser) variant has been observed in >10 (25) individuals without a diagnosis of diffuse gastric cancer, signet ring tumor or lobular breast cancer and whose family histories do not suggest HDGC (BS2; SCV000760786.3, SCV000216659.5 and SCV000520889.4). This variant was observed in the homozygous state in an individual without a personal and/or family history of diffuse gastric cancer or lobular breast cancer (BP2_Strong; SCV000520889.4). The c.820G>A variant has an allele frequency of 0.001037 (0.1037%, 5/4822 alleles) in the South Asian subpopulation of the gnomAD v.3.1 cohort (BS1). In summary, the clinical significance of this variant is benign, ACMG/AMP criteria applied, as specified by the CDH1 Variant Curation Expert Panel (Variant Interpretation Guidelines Version 3.1): BS2, BP2_Strong, BS1.

Labcorp Genetics (formerly Invitae), Labcorp
Classification: Benign for Hereditary diffuse gastric adenocarcinoma. Last evaluated: 2025-10-13. Review status: criteria provided, single submitter. Criteria: Invitae Variant Classification Sherloc (09022015). Collection method: clinical testing. Allele origin: germline. Not counted in ClinVar's aggregate classification.

PreventionGenetics, part of Exact Sciences
Classification: Benign for CDH1-related condition. Last evaluated: 2025-09-25. Review status: criteria provided, single submitter. Criteria: ACMG Guidelines, 2015. Collection method: clinical testing. Allele origin: germline. Not counted in ClinVar's aggregate classification.
Comment: This variant is classified as benign based on ACMG/AMP sequence variant interpretation guidelines (Richards et al. 2015 PMID: 25741868, with internal and published modifications).

Center for Genomic Medicine, Rigshospitalet, Copenhagen University Hospital
Classification: Benign. Last evaluated: 2025-03-04. Review status: criteria provided, single submitter. Criteria: ACMG Guidelines, 2015. Collection method: clinical testing. Allele origin: germline. Not counted in ClinVar's aggregate classification.

Quest Diagnostics Nichols Institute San Juan Capistrano
Classification: Likely benign. Last evaluated: 2025-01-17. Review status: criteria provided, single submitter. Criteria: Quest Diagnostics criteria. Collection method: clinical testing. Allele origin: unknown. Not counted in ClinVar's aggregate classification.

Institute for Biomarker Research, Medical Diagnostic Laboratories, L.L.C.
Classification: Likely benign for Hereditary cancer-predisposing syndrome. Last evaluated: 2024-10-15. Review status: criteria provided, single submitter. Criteria: ACMG Guidelines, 2015. Collection method: clinical testing. Allele origin: germline. Not counted in ClinVar's aggregate classification.
Comment: The missense variant NM_004360.5(CDH1):c.820G>A (p.Gly274Ser) has been reported to ClinVar as Benign with a status of (3 stars) reviewed by expert panel (Variation ID 186326 as of 2024-10-03). The p.Gly274Ser variant is observed in 22/30,616 (0.0719%) alleles from individuals of gnomAD South Asian background in gnomAD, which is greater than expected for the disorder. There is a small physicochemical difference between glycine and serine, which is not likely to impact secondary protein structure as these residues share similar properties. The gene CDH1 has a low rate of benign missense variation as indicated by a high missense variants Z-Score of 1.89. The gene CDH1 contains 18 pathogenic missense variants, indicating that missense variants are a common mechanism of disease in this gene. For these reasons, this variant has been classified as Likely Benign.

Mendelics
Classification: Benign for Hereditary diffuse gastric adenocarcinoma. Last evaluated: 2023-08-22. Review status: criteria provided, single submitter. Criteria: Mendelics Assertion Criteria 2019. Collection method: clinical testing. Allele origin: germline. Not counted in ClinVar's aggregate classification.

Department of Pathology and Laboratory Medicine, Sinai Health System
Classification: Likely benign for Familial cancer of breast; Ovarian cancer. Last evaluated: 2021-02-01. Review status: criteria provided, single submitter. Criteria: ACMG Guidelines, 2015. Collection method: clinical testing. Allele origin: germline. Affected: yes. Not counted in ClinVar's aggregate classification.

Ambry Genetics
Classification: Likely benign for Hereditary cancer-predisposing syndrome. Last evaluated: 2019-03-16. Review status: criteria provided, single submitter. Criteria: Ambry Variant Classification Scheme 2023. Collection method: clinical testing. Allele origin: germline. Not counted in ClinVar's aggregate classification.

ARUP Laboratories, Molecular Genetics and Genomics, ARUP Laboratories
Classification: Uncertain significance. Last evaluated: 2018-09-21. Review status: criteria provided, single submitter. Criteria: ARUP Molecular Germline Variant Investigation Process. Collection method: clinical testing. Allele origin: germline. Not counted in ClinVar's aggregate classification.
Comment: The CDH1 c.820G>A; p.Gly274Ser variant (rs781513008), has been reported in association with gastric cancer in single case report. (Garziera 2013 Clin Exp Med). However, this variant is found in the South Asian population with an allele frequency of 0.07% (22/30,782 alleles) in the Genome Aggregation Database and has been reported in ClinVar with conflicting interpretations (Variation ID: 186326). The glycine at codon 274 is highly conserved and computational algorithms (SIFT, PolyPhen-2) predict that this variant is deleterious. Experimental studies have shown that this missense change does not impact CDH1 protein function (Sanches et al, 2015 and Garzier et al, 2013 PLoS One). Given the limited and conflicting information regarding this variant, its clinical significance is uncertain at this time.

GeneDx
Classification: Likely benign. Last evaluated: 2018-03-29. Review status: criteria provided, single submitter. Criteria: GeneDx Variant Classification Process June 2021. Collection method: clinical testing. Allele origin: germline. Affected: yes. Not counted in ClinVar's aggregate classification.
Comment: This variant is associated with the following publications: (PMID: 26182300, 24204729, 25388006, 23431106, 22543498, 28873162)

Color Diagnostics, LLC DBA Color Health
Classification: Likely benign for Hereditary cancer-predisposing syndrome. Last evaluated: 2017-11-27. Review status: criteria provided, single submitter. Criteria: ACMG Guidelines, 2015. Collection method: clinical testing. Allele origin: germline. Not counted in ClinVar's aggregate classification.

Literature cited by the submitters: PubMed 25388006 (cited by Quest Diagnostics Nichols Institute San Juan Capistrano and Department of Pathology and Laboratory Medicine, Sinai Health System); PubMed 24204729 (cited by 3 submitters); PubMed 22543498 (cited by 3 submitters).